The following is an entry in ClinVar:

NM_206933.4(USH2A):c.13274C>T (p.Thr4425Met)

Gene: USH2A (usherin; minus strand). Cytogenetic location: 1q41.
Variant type: single nucleotide variant.
Coding change: c.13274C>T on transcript NM_206933.4 (MANE Select); coding-DNA position 13274, C replaced by T.
Protein change: p.Thr4425Met; replaces threonine 4425 with methionine.
Molecular consequence: missense variant.
Genome position (GRCh38, 1-based): chr1:215,674,637, G>A on the plus strand (C>T on the coding strand, the complement: USH2A is on the minus strand). VCF-style: chr1-215674637-G-A. GRCh37 (hg19) VCF-style: chr1-215847979-G-A.
Other names: short protein forms T4425M.
Identifiers: ClinVar variation 438011 (VCV000438011.23), dbSNP rs201238640, ClinGen allele CA1393320.

ClinVar aggregate classification (germline): Pathogenic/Likely pathogenic. Review status: criteria provided, multiple submitters, no conflicts (2 of 4 stars). 13 submissions from 13 submitters: Pathogenic (5); Likely pathogenic (3). 5 of the submissions do not count toward it. Last evaluated 2026-09-15.

Conditions:
Usher syndrome. Also called: Usher Syndromes; Usher's syndrome. Identifiers: Orphanet 886, MedGen CN469326, MeSH D052245, MONDO:0019501. Disease mechanism: loss of function.
USH2A-related disorder. Also called: USH2A-related disorders; USH2A-related condition. Identifiers: MedGen CN239332.
Retinal dystrophy. Also called: Inherited retinal dystrophy. Identifiers: Orphanet 71862, MedGen C0854723, MeSH D058499, MONDO:0019118, HP:0000556.
Retinitis pigmentosa (RP). Identifiers: Orphanet 791, MedGen C0035334, MeSH D012174, MONDO:0019200, OMIM 268000. Inheritance: Autosomal dominant, autosomal recessive and X linked inheritance.
Usher syndrome type 2A. Also called: RETINAL DISEASE IN USHER SYNDROME TYPE IIA, MODIFIER OF; USHER SYNDROME, TYPE IIA. Identifiers: Orphanet 231178, Orphanet 886, MedGen C1848634, MONDO:0010169, OMIM 276901.
Retinitis pigmentosa 39 (RP39). Identifiers: Orphanet 791, MedGen C3151138, MONDO:0013436, OMIM 613809.
Retinal disorder. Also called: Retinopathies; Retinal Diseases; Retinal disorders; Retinopathy. Identifiers: MedGen C0035309, MONDO:0005283, HP:0000488.

Allele frequency attached by ClinVar (database versions not stated): ExAC 0.00002; TOPMed 0.00002; gnomAD 0.00004 and 0.00005; gnomAD exomes 0.00004; 1000 Genomes Project 30x 0.00016; 1000 Genomes Project 0.00020.
gnomAD v4.1: 72 of 1,614,152 alleles (0.0045%); highest among the groups gnomAD compares: Middle Eastern, 0.033%; no homozygotes.

Submissions (13):

PreventionGenetics, part of Exact Sciences
Classification: Pathogenic for USH2A-related condition. Last evaluated: 2026-09-15. Review status: criteria provided, single submitter. Criteria: ACMG Guidelines, 2015. Collection method: clinical testing. Allele origin: germline.
Comment: The USH2A c.13274C>T variant is predicted to result in the amino acid substitution p.Thr4425Met. This variant has been reported as a complex allele (in cis with p.Arg4115Cys and p.Cys759Phe or with p.Arg4115Cys only) in the compound heterozygous state in multiple individuals with Usher syndrome or retinitis pigmentosa (see for examples, van Wijk et al. 2004. PubMed ID: 15015129; Baux et al. 2007. PubMed ID: 17405132; Neveling et al. 2012. PubMed ID: 22334370; Bonnet et al. 2016. PubMed ID: 27460420). This variant has also been reported with loss-of-function USH2A variants in multiple individuals with Usher syndrome or retinitis pigmentosa (Supplemental Table, Hagag et al. 2019. PubMed ID: 31266775; Supplemental Table, Gao et al. 2020. PubMed ID: 32188678; Table S1, Carss et al. 2016. PubMed ID: 28041643; Table S1, Lin et al. 2024. PubMed ID: 38219857; Table S2, Matczynska et al. 2024. PubMed ID: 38927562). This variant is reported in 0.0085% of alleles in individuals of European (non-Finnish) descent in gnomAD. This variant is interpreted as pathogenic.

Genetics Laboratory, Great Ormond Street Hospital NHS Foundation Trust, North Thames Genomic Laboratory Hub
Classification: Likely pathogenic for Retinal disorders. Last evaluated: 2026-01-05. Review status: criteria provided, single submitter. Criteria: ACGS Best Practice Guidelines for Variant Classification in Rare Disease 2024 v1.2. Collection method: clinical testing. Allele origin: germline. Affected: yes.
Comment: PM2_moderate, PM5_supporting, PM3_strong

Natera, Inc.
Classification: Pathogenic for Usher syndrome type 2A. Last evaluated: 2025-11-21. Review status: criteria provided, single submitter. Criteria: Natera Variant Classification Schema (03/2026). Collection method: clinical testing. Allele origin: germline.
Comment: The c.13274C>T variant in USH2A is a missense variant predicted to cause substitution of threonine to methionine at amino acid 4425. This variant is rare in the general population with a frequency below the threshold expected for the associated phenotype(s). This variant has been observed in one or more individuals affected with the associated recessive disease, as either homozygous or compound heterozygous with a second variant (PMID: 31998945, 24944099, 27460420). Computational prediction algorithms indicate this variant is likely to affect gene or protein function. Given the available evidence, this variant is classified as Pathogenic.

Labcorp Genetics (formerly Invitae), Labcorp
Classification: Pathogenic. Last evaluated: 2025-10-11. Review status: criteria provided, single submitter. Criteria: Invitae Variant Classification Sherloc (09022015). Collection method: clinical testing. Allele origin: germline.
Comment: This sequence change replaces threonine, which is neutral and polar, with methionine, which is neutral and non-polar, at codon 4425 of the USH2A protein (p.Thr4425Met). This variant is present in population databases (rs201238640, gnomAD 0.008%). This missense change has been observed in individuals with USH2A-related conditions (PMID: 24944099, 31266775, 32188678, 32581362). ClinVar contains an entry for this variant (Variation ID: 438011). Invitae Evidence Modeling of protein sequence and biophysical properties (such as structural, functional, and spatial information, amino acid conservation, physicochemical variation, residue mobility, and thermodynamic stability) indicates that this missense variant is expected to disrupt USH2A protein function with a positive predictive value of 95%. This variant disrupts the p.Thr4425 amino acid residue in USH2A. Other variant(s) that disrupt this residue have been observed in individuals with USH2A-related conditions (PMID: 30718709), which suggests that this may be a clinically significant amino acid residue. For these reasons, this variant has been classified as Pathogenic.

Women's Health and Genetics/Laboratory Corporation of America, LabCorp
Classification: Pathogenic for Usher syndrome. Last evaluated: 2024-11-22. Review status: criteria provided, single submitter. Criteria: LabCorp Variant Classification Summary - May 2015. Collection method: clinical testing. Allele origin: germline.
Comment: Variant summary: USH2A c.13274C>T (p.Thr4425Met) results in a non-conservative amino acid change located in a Fibronectin type III repeat domain (IPR003961) of the encoded protein sequence. Five of five in-silico tools predict a damaging effect of the variant on protein function. The variant allele was found at a frequency of 4.4e-05 in 250930 control chromosomes (gnomAD). This frequency is not higher than the estimated maximum for a pathogenic variant in USH2A causing Usher Syndrome (0.011), allowing no conclusion about variant significance. c.13274C>T has been reported in the literature in multiple compound heterozygous individuals affected with Usher Syndrome and Retinitis Pigmentosa (e.g. van Wijk_2004, Baux_2007, Neverling_2012, van Huet_2015, Bonnet_2016, Toms_2020, Gao_2021, Mansard_2021). These data indicate that the variant is very likely to be associated with disease. In some of these cases, the variant was reported in complex alleles with p.Arg4115Cys (e.g. van Wijk_2004, Bonnet_2016) and/or p.Cys759Phe (e.g. Baux_2007, Mansard_2021). To our knowledge, no experimental evidence demonstrating an impact on protein function has been reported. The following publications have been ascertained in the context of this evaluation (PMID: 17405132, 24944099, 27460420, 32188678, 22334370, 26927203, 31998945, 32581362, 25999674, 15015129, 34948090). ClinVar contains an entry for this variant (Variation ID: 438011). Based on the evidence outlined above, the variant was classified as pathogenic.

Baylor Genetics
Classification: Likely pathogenic for Retinitis pigmentosa 39. Last evaluated: 2024-02-19. Review status: criteria provided, single submitter. Criteria: ACMG Guidelines, 2015. Collection method: clinical testing. Allele origin: unknown.

Blueprint Genetics
Classification: Pathogenic for USH2A-related disorders. Last evaluated: 2023-07-03. Review status: criteria provided, single submitter. Criteria: ACMG Guidelines, 2015. Collection method: clinical testing. Allele origin: germline. Affected: yes. Observed: 5 variant alleles.

Institute of Human Genetics, Univ. Regensburg, Univ. Regensburg
Classification: Likely pathogenic for Retinal dystrophy. Last evaluated: 2019-01-01. Review status: criteria provided, single submitter. Criteria: ACMG Guidelines, 2015. Collection method: clinical testing. Allele origin: germline. Affected: yes.

NIHR Bioresource Rare Diseases, University of Cambridge
Classification: Likely pathogenic for Retinitis pigmentosa. Last evaluated: 2015-01-01. Review status: no assertion criteria provided. Collection method: research. Allele origin: unknown. Affected: yes. Observed: 2 variant alleles. Not counted in ClinVar's aggregate classification.

Clinical Genetics DNA and cytogenetics Diagnostics Lab, Erasmus MC, Erasmus Medical Center
Classification: Pathogenic. Review status: no assertion criteria provided. Collection method: clinical testing. Allele origin: germline. Affected: yes. Study: VKGL Data-share Consensus. Not counted in ClinVar's aggregate classification.

Clinical Genetics, Academic Medical Center
Classification: Likely pathogenic. Review status: no assertion criteria provided. Collection method: clinical testing. Allele origin: germline. Affected: yes. Study: VKGL Data-share Consensus. Not counted in ClinVar's aggregate classification.

Joint Genome Diagnostic Labs from Nijmegen and Maastricht, Radboudumc and MUMC+
Classification: Likely pathogenic. Review status: no assertion criteria provided. Collection method: clinical testing. Allele origin: germline. Affected: yes. Study: VKGL Data-share Consensus. Not counted in ClinVar's aggregate classification.

Eurofins Ntd Llc (ga)
Classification: Uncertain significance. Last evaluated: 2018-06-28. Review status: flagged submission. Criteria: EGL ClinVar v180209 classification definitions. Collection method: clinical testing. Allele origin: germline. Observed: 1 variant allele, 1 heterozygote. Not counted in ClinVar's aggregate classification.
ClinVar note: Reason: Older and outlier claim with insufficient supporting evidence

Literature cited by the submitters: PubMed 31998945 (cited by Natera, Inc. and Women's Health and Genetics/Laboratory Corporation of America, LabCorp); PubMed 24944099 (cited by 3 submitters); PubMed 27460420 (cited by Natera, Inc. and Women's Health and Genetics/Laboratory Corporation of America, LabCorp); PubMed 31266775 (cited by Labcorp Genetics (formerly Invitae), Labcorp and Institute of Human Genetics, Univ. Regensburg, Univ. Regensburg); PubMed 32188678 (cited by 3 submitters); PubMed 32581362 (cited by 3 submitters); PubMed 30718709 (cited by Labcorp Genetics (formerly Invitae), Labcorp); PubMed 22334370 (cited by Women's Health and Genetics/Laboratory Corporation of America, LabCorp and Institute of Human Genetics, Univ. Regensburg, Univ. Regensburg); PubMed 26927203 (cited by Women's Health and Genetics/Laboratory Corporation of America, LabCorp); PubMed 17405132 (cited by Women's Health and Genetics/Laboratory Corporation of America, LabCorp); PubMed 25999674 (cited by Women's Health and Genetics/Laboratory Corporation of America, LabCorp); PubMed 15015129 (cited by 3 submitters); PubMed 34948090 (cited by Women's Health and Genetics/Laboratory Corporation of America, LabCorp and Institute of Human Genetics, Univ. Regensburg, Univ. Regensburg); PubMed 31964843 (cited by Institute of Human Genetics, Univ. Regensburg, Univ. Regensburg); PubMed 32675063 (cited by Institute of Human Genetics, Univ. Regensburg, Univ. Regensburg); PubMed 28041643 (cited by NIHR Bioresource Rare Diseases, University of Cambridge).